The following is an entry in ClinVar:

NM_002303.6(LEPR):c.1202C>T (p.Pro401Leu)

Gene: LEPR (leptin receptor; plus strand). Cytogenetic location: 1p31.3.
Variant type: single nucleotide variant.
Coding change: c.1202C>T on transcript NM_002303.6 (MANE Select); coding-DNA position 1202, C replaced by T.
Protein change: p.Pro401Leu; replaces proline 401 with leucine.
Molecular consequence: missense variant.
Genome position (GRCh38, 1-based): chr1:65,601,599, C>T. VCF-style: chr1-65601599-C-T. GRCh37 (hg19) VCF-style: chr1-66067282-C-T.
Other names: c.1202C>T, p.Pro401Leu (NM_001003679.3, NM_001003680.3, NM_001198687.2 and 2 more transcripts); short protein forms P401L.
Identifiers: ClinVar variation 4977588 (VCV004977588.1).

ClinVar aggregate classification (germline): Uncertain significance (1 of 4 stars; one submission).

Conditions:
LEPR-related disorder. Also called: LEPR-related condition; LEPR-related disorders.

gnomAD v4.1: 9 of 1,613,658 alleles (0.00056%); highest among the groups gnomAD compares: Non-Finnish European, 0.00059%; no homozygotes.

Submission:

PreventionGenetics, part of Exact Sciences
Classification: Uncertain significance for LEPR-related condition. Last evaluated: 2026-07-30. Review status: criteria provided, single submitter. Criteria: ACMG Guidelines, 2015. Collection method: clinical testing. Allele origin: germline.
Comment: The LEPR c.1202C>T variant is predicted to result in the amino acid substitution p.Pro401Leu. This variant was observed in a cohort of individuals with obesity, and in vitro functional studies showed function similar to that of wildtype levels (Supplemental Data Set, Shah et al. 2023. PubMed ID: 36864747). To our knowledge, this variant has not been reported in the literature or in a large population database, indicating this variant is rare. At this time, the clinical significance of this variant is uncertain due to the absence of conclusive functional and genetic evidence.